The following is an entry in ClinVar:

NM_001378457.1(DMXL2):c.1961A>G (p.Asn654Ser)

Gene: DMXL2 (Dmx like 2; minus strand). Cytogenetic location: 15q21.2.
Variant type: single nucleotide variant.
Coding change: c.1961A>G on transcript NM_001378457.1 (MANE Select); coding-DNA position 1961, A replaced by G.
Protein change: p.Asn654Ser; replaces asparagine 654 with serine.
Molecular consequence: missense variant. On other transcripts: non-coding transcript variant (2).
Genome position (GRCh38, 1-based): chr15:51,536,519, T>C on the plus strand (A>G on the coding strand, the complement: DMXL2 is on the minus strand). VCF-style: chr15-51536519-T-C. GRCh37 (hg19) VCF-style: chr15-51828716-T-C.
Other names: c.1961A>G (NM_001174116.1); c.1961A>G, p.Asn654Ser (NM_001174116.3, NM_001174117.3, NM_001378458.1 and 6 more transcripts); c.1721A>G, p.Asn574Ser (NM_001378464.1); short protein forms N654S, N574S.
Identifiers: ClinVar variation 2159059 (VCV002159059.4), dbSNP rs753506877, ClinGen allele CA7562480.

ClinVar aggregate classification (germline): Uncertain significance. Review status: criteria provided, multiple submitters, no conflicts (2 of 4 stars). 3 submissions from 3 submitters: Uncertain significance (3). Last evaluated 2025-03-20.

Conditions:
DMXL2-related disorder. Also called: DMXL2-related condition.
Inborn genetic diseases. Identifiers: MedGen C0950123, MeSH D030342.

Allele frequency attached by ClinVar (database versions not stated): TOPMed 0.00005; ExAC 0.00002; gnomAD 0.00004.
gnomAD v4.1: 50 of 1,613,850 alleles (0.0031%); highest among the groups gnomAD compares: Admixed American, 0.017%; no homozygotes.

Submissions (3):

PreventionGenetics, part of Exact Sciences
Classification: Uncertain significance for DMXL2-related condition. Last evaluated: 2025-03-20. Review status: criteria provided, single submitter. Criteria: ACMG Guidelines, 2015. Collection method: clinical testing. Allele origin: germline.
Comment: The DMXL2 c.1961A>G variant is predicted to result in the amino acid substitution p.Asn654Ser. To our knowledge, this variant has not been reported in the literature. This variant is reported in 0.012% of alleles in individuals of European (Finnish) descent in gnomAD. At this time, the clinical significance of this variant is uncertain due to the absence of conclusive functional and genetic evidence.

Ambry Genetics
Classification: Uncertain significance for Inborn genetic diseases. Last evaluated: 2025-01-16. Review status: criteria provided, single submitter. Criteria: Ambry Variant Classification Scheme 2023. Collection method: clinical testing. Allele origin: germline.

Labcorp Genetics (formerly Invitae), Labcorp
Classification: Uncertain significance. Last evaluated: 2022-08-04. Review status: criteria provided, single submitter. Criteria: Invitae Variant Classification Sherloc (09022015). Collection method: clinical testing. Allele origin: germline.
Comment: This sequence change replaces asparagine, which is neutral and polar, with serine, which is neutral and polar, at codon 654 of the DMXL2 protein (p.Asn654Ser). This variant is present in population databases (rs753506877, gnomAD 0.01%). This variant has not been reported in the literature in individuals affected with DMXL2-related conditions. Algorithms developed to predict the effect of missense changes on protein structure and function are either unavailable or do not agree on the potential impact of this missense change (SIFT: "Tolerated"; PolyPhen-2: "Probably Damaging"; Align-GVGD: "Class C0"). Algorithms developed to predict the effect of sequence changes on RNA splicing suggest that this variant may create or strengthen a splice site. In summary, the available evidence is currently insufficient to determine the role of this variant in disease. Therefore, it has been classified as a Variant of Uncertain Significance.